The following is an entry in ClinVar:

ClinVar aggregate classification (germline): Uncertain significance (1 of 4 stars; one submission).

Conditions:
Ataxia-telangiectasia syndrome (AT). Also called: ATAXIA-TELANGIECTASIA, COMPLEMENTATION GROUP A; ATAXIA-TELANGIECTASIA, FRESNO VARIANT; Ataxia-telangiectasia, complementation group D; AT, COMPLEMENTATION GROUP C; Cerebello-oculocutaneous telangiectasia; Immunodeficiency with ataxia telangiectasia. Identifiers: Orphanet 100, MedGen C0004135, MONDO:0008840, OMIM 208900.

Submission:

Labcorp Genetics (formerly Invitae), Labcorp
Classification: Uncertain significance for Ataxia-telangiectasia syndrome. Last evaluated: 2024-09-30. Review status: criteria provided, single submitter. Criteria: Invitae Variant Classification Sherloc (09022015). Collection method: clinical testing. Allele origin: germline.
Comment: This sequence change replaces valine, which is neutral and non-polar, with phenylalanine, which is neutral and non-polar, at codon 1218 of the ATM protein (p.Val1218Phe). This variant is not present in population databases (gnomAD no frequency). This variant has not been reported in the literature in individuals affected with ATM-related conditions. ClinVar contains an entry for this variant (Variation ID: 1041819). An algorithm developed to predict the effect of missense changes on protein structure and function (PolyPhen-2) suggests that this variant is likely to be tolerated. In summary, the available evidence is currently insufficient to determine the role of this variant in disease. Therefore, it has been classified as a Variant of Uncertain Significance.

NM_000051.4(ATM):c.3652G>T (p.Val1218Phe)

Gene: ATM (ATM serine/threonine kinase; plus strand). Cytogenetic location: 11q22.3.
Variant type: single nucleotide variant.
Coding change: c.3652G>T on transcript NM_000051.4 (MANE Select); coding-DNA position 3652, G replaced by T.
Protein change: p.Val1218Phe; replaces valine 1218 with phenylalanine.
Molecular consequence: missense variant.
Genome position (GRCh38, 1-based): chr11:108,282,785, G>T. VCF-style: chr11-108282785-G-T. GRCh37 (hg19) VCF-style: chr11-108153512-G-T.
Other names: c.3652G>T, p.Val1218Phe (NM_001351834.2); short protein forms V1218F.
Identifiers: ClinVar variation 1041819 (VCV001041819.8), dbSNP rs2082300484, ClinGen allele CA382522977.
Genomic context (GRCh38, chr11:108,282,785, plus strand): 5'-TCTGAAACTTTTGGATATAGACGTTTAGAAGACTTTATGGCATCTCATTTAGATTATCTG[G>T]TTTTGGAATGGCTAAATCTTCAAGATACTGAATACAACTTATCTTCTTTTCCTTTTATTT-3'
Protein context (NP_000042.3, residues 1208-1228): DFMASHLDYL[Val1218Phe]LEWLNLQDTE